The following is an entry in ClinVar:

NM_001079843.3(CASZ1):c.5079GGACGA[4] (p.1693ED[4])

Gene: CASZ1 (castor zinc finger 1; minus strand). Cytogenetic location: 1p36.22.
Variant type: Microsatellite.
Coding change: c.5079GGACGA[4] on transcript NM_001079843.3 (MANE Select); four copies in a row of the 6-base unit GGACGA starting at c.5079; the reference has two copies in a row; two copies, 12 bases duplicated.
Protein change: p.1693ED[4].
Molecular consequence: inframe insertion.
Genome position (GRCh38, 1-based): chr1:10,639,132-10,639,143, TCGTCCTCGTCC duplicated on the plus strand (GGACGAGGACGA on the coding strand, the reverse complement: CASZ1 is on the minus strand); duplicating any 12 consecutive bases within chr1:10,639,132-10,639,148 gives the same sequence; the position shown is the placement nearest the transcript's 3' end. VCF-style (leftmost placement, unchanged base first): chr1-10639131-G-GTCGTCCTCGTCC. GRCh37 (hg19) VCF-style: chr1-10699188-G-GTCGTCCTCGTCC.
Identifiers: ClinVar variation 1633553 (VCV001633553.17), dbSNP rs746886067, ClinGen allele CA584087.

ClinVar aggregate classification (germline): Likely benign. Review status: criteria provided, multiple submitters, no conflicts (2 of 4 stars). 3 submissions from 3 submitters: Likely benign (3). Last evaluated 2026-01-15.

Submissions (3):

Labcorp Genetics (formerly Invitae), Labcorp
Classification: Likely benign. Last evaluated: 2026-01-15. Review status: criteria provided, single submitter. Criteria: Invitae Variant Classification Sherloc (09022015). Collection method: clinical testing. Allele origin: germline.

CeGaT Center for Human Genetics Tuebingen
Classification: Likely benign. Last evaluated: 2025-06-01. Review status: criteria provided, single submitter. Criteria: CeGaT Center For Human Genetics Tuebingen Variant Classification Criteria Version 2. Collection method: clinical testing. Allele origin: germline. Affected: yes. Observed: 1 variant allele.
Comment: CASZ1: BS1

Blueprint Genetics
Classification: Likely benign. Last evaluated: 2024-11-26. Review status: criteria provided, single submitter. Criteria: ACMG Guidelines, 2015. Collection method: clinical testing. Allele origin: germline.